The following is an entry in ClinVar:

ClinVar aggregate classification (germline): Uncertain significance (1 of 4 stars; one submission).

Conditions:
Cardiovascular phenotype. Identifiers: MedGen CN230736.

Submission:

Ambry Genetics
Classification: Uncertain significance for Cardiovascular phenotype. Last evaluated: 2026-07-04. Review status: criteria provided, single submitter. Criteria: Ambry Variant Classification Scheme 2023. Collection method: clinical testing. Allele origin: germline.
Comment: The p.A3754D variant (also known as c.11261C>A), located in coding exon 2 of the ZNF469 gene, results from a C to A substitution at nucleotide position 11261. The alanine at codon 3754 is replaced by aspartic acid, an amino acid with dissimilar properties. This amino acid position is conserved. In addition, this alteration is predicted to be tolerated by in silico analysis. Based on the available evidence, the clinical significance of this variant remains unclear.

NM_001367624.2(ZNF469):c.11345C>A (p.Ala3782Asp)

Gene: ZNF469 (zinc finger protein 469; plus strand). Cytogenetic location: 16q24.2.
Variant type: single nucleotide variant.
Coding change: c.11345C>A on transcript NM_001367624.2 (MANE Select); coding-DNA position 11345, C replaced by A.
Protein change: p.Ala3782Asp; replaces alanine 3782 with aspartic acid.
Molecular consequence: missense variant.
Genome position (GRCh38, 1-based): chr16:88,438,815, C>A. VCF-style: chr16-88438815-C-A. GRCh37 (hg19) VCF-style: chr16-88505223-C-A.
Other names: NM_001127464.1:c.11261C>A; short protein forms A3782D.
Identifiers: ClinVar variation 5032211 (VCV005032211.1).